The following is an entry in ClinVar:

ClinVar aggregate classification (germline): Uncertain significance (1 of 4 stars; one submission).

Conditions:
Familial thoracic aortic aneurysm and aortic dissection (TAAD). Also called: Thoracic aortic aneurysms and dissections. Identifiers: Orphanet 91387, MedGen C4707243, MONDO:0019625.

Submission:

Ambry Genetics
Classification: Uncertain significance for Familial thoracic aortic aneurysm and aortic dissection. Last evaluated: 2026-01-21. Review status: criteria provided, single submitter. Criteria: Ambry Variant Classification Scheme 2023. Collection method: clinical testing. Allele origin: germline.
Comment: The p.Q313K variant (also known as c.937C>A), located in coding exon 7 of the MYLK gene, results from a C to A substitution at nucleotide position 937. The glutamine at codon 313 is replaced by lysine, an amino acid with similar properties. This amino acid position is conserved. In addition, this alteration is predicted to be tolerated by in silico analysis. Based on the available evidence, the clinical significance of this variant remains unclear.

NM_053025.4(MYLK):c.937C>A (p.Gln313Lys)

Gene: MYLK (myosin light chain kinase; minus strand). Cytogenetic location: 3q21.1.
Variant type: single nucleotide variant.
Coding change: c.937C>A on transcript NM_053025.4 (MANE Select); coding-DNA position 937, C replaced by A.
Protein change: p.Gln313Lys; replaces glutamine 313 with lysine.
Molecular consequence: missense variant.
Genome position (GRCh38, 1-based): chr3:123,734,059, G>T on the plus strand (C>A on the coding strand, the complement: MYLK is on the minus strand). VCF-style: chr3-123734059-G-T. GRCh37 (hg19) VCF-style: chr3-123452906-G-T.
Other names: c.409C>A, p.Gln137Lys (NM_001321309.2); c.937C>A, p.Gln313Lys (NM_053026.4, NM_053027.4, NM_053028.4); short protein forms Q313K, Q137K.
Identifiers: ClinVar variation 4825144 (VCV004825144.1).
Genomic context (GRCh38, chr3:123,734,059, plus strand): 5'-GGGCCGTTCTGGGCGAGTCCTTGCATGACTCCAGCTTGGACTCCCTTGGGGGCTGAGGCT[G>T]GCTGTTTGCAGCCCAGGGTGGGGAGCCACCTCTCTGGGGGCTGGAGCAGTTCTTGCTTTT-3'
Protein context (NP_444253.3, residues 303-323): GGSPPWAANS[Gln313Lys]PQPPRESKLE